The following is an entry in ClinVar:

ClinVar aggregate classification (germline): Likely pathogenic. Review status: criteria provided, multiple submitters, no conflicts (2 of 4 stars). 3 submissions from 3 submitters: Likely pathogenic (2). 1 of the submissions does not count toward it. Last evaluated 2024-04-03.

Conditions:
Polycystic kidney disease 4 (PKD4). Also called: PKD3; POLYCYSTIC KIDNEY AND HEPATIC DISEASE 1; POLYCYSTIC KIDNEY DISEASE, INFANTILE, TYPE I; POLYCYSTIC KIDNEY DISEASE 4 WITH OR WITHOUT POLYCYSTIC LIVER DISEASE; Autosomal Recessive Polycystic Kidney Disease – PKHD1. Identifiers: MedGen C4540575, MONDO:0033004, OMIM 263200.
Autosomal recessive polycystic kidney disease (ARPKD). Also called: AR polycystic kidney disease. Identifiers: Orphanet 731, Orphanet 8378, MedGen C0085548, MeSH D017044, MONDO:0009889.

Allele frequency attached by ClinVar (database versions not stated): ExAC 0.00001; gnomAD exomes 0.00001.
gnomAD v4.1: 1 of 1,614,156 alleles (0.000062%); highest among the groups gnomAD compares: Non-Finnish European, 0.000085%; no homozygotes.

Submissions (3):

Fulgent Genetics
Classification: Likely pathogenic for Polycystic kidney disease 4. Last evaluated: 2024-04-03. Review status: criteria provided, single submitter. Criteria: ACMG Guidelines, 2015. Collection method: clinical testing. Allele origin: germline.

Labcorp Genetics (formerly Invitae), Labcorp
Classification: Likely pathogenic for Autosomal recessive polycystic kidney disease. Last evaluated: 2023-05-08. Review status: criteria provided, single submitter. Criteria: Invitae Variant Classification Sherloc (09022015). Collection method: clinical testing. Allele origin: germline.
Comment: This sequence change replaces glycine, which is neutral and non-polar, with valine, which is neutral and non-polar, at codon 470 of the PKHD1 protein (p.Gly470Val). This variant is present in population databases (rs776845008, gnomAD 0.002%). This missense change has been observed in individuals with clinical features of polycystic kidney disease (PMID: 19914852, 27752906; Invitae). ClinVar contains an entry for this variant (Variation ID: 851366). Advanced modeling of protein sequence and biophysical properties (such as structural, functional, and spatial information, amino acid conservation, physicochemical variation, residue mobility, and thermodynamic stability) performed at Invitae indicates that this missense variant is expected to disrupt PKHD1 protein function. In summary, the currently available evidence indicates that the variant is pathogenic, but additional data are needed to prove that conclusively. Therefore, this variant has been classified as Likely Pathogenic.

Natera, Inc.
Classification: Uncertain significance for Autosomal recessive polycystic kidney disease. Last evaluated: 2021-06-29. Review status: no assertion criteria provided. Collection method: clinical testing. Allele origin: germline. Not counted in ClinVar's aggregate classification.

Literature cited by the submitters: PubMed 19914852 (cited by Labcorp Genetics (formerly Invitae), Labcorp); PubMed 27752906 (cited by Labcorp Genetics (formerly Invitae), Labcorp).

NM_138694.4(PKHD1):c.1409G>T (p.Gly470Val)

Gene: PKHD1 (PKHD1 ciliary IPT domain containing fibrocystin/polyductin; minus strand). Cytogenetic location: 6p12.2.
Variant type: single nucleotide variant.
Coding change: c.1409G>T on transcript NM_138694.4 (MANE Select); coding-DNA position 1409, G replaced by T.
Protein change: p.Gly470Val; replaces glycine 470 with valine.
Molecular consequence: missense variant.
Genome position (GRCh38, 1-based): chr6:52,058,426, C>A on the plus strand (G>T on the coding strand, the complement: PKHD1 is on the minus strand). VCF-style: chr6-52058426-C-A. GRCh37 (hg19) VCF-style: chr6-51923224-C-A.
Other names: c.1409G>T, p.Gly470Val (NM_170724.3); short protein forms G470V.
Identifiers: ClinVar variation 851366 (VCV000851366.16), dbSNP rs776845008, ClinGen allele CA3853565.